The following is an entry in ClinVar:

ClinVar aggregate classification (germline): Uncertain significance (1 of 4 stars; one submission).

gnomAD v4.1: 9 of 1,613,960 alleles (0.00056%); highest among the groups gnomAD compares: Non-Finnish European, 0.00076%; no homozygotes.

Submission:

Labcorp Genetics (formerly Invitae), Labcorp
Classification: Uncertain significance. Last evaluated: 2024-10-16. Review status: criteria provided, single submitter. Criteria: Invitae Variant Classification Sherloc (09022015). Collection method: clinical testing. Allele origin: germline.
Comment: This sequence change replaces serine, which is neutral and polar, with cysteine, which is neutral and slightly polar, at codon 800 of the TRAPPC9 protein (p.Ser800Cys). This variant is present in population databases (rs145138747, gnomAD 0.0009%). This variant has not been reported in the literature in individuals affected with TRAPPC9-related conditions. An algorithm developed to predict the effect of missense changes on protein structure and function (PolyPhen-2) suggests that this variant is likely to be disruptive. In summary, the available evidence is currently insufficient to determine the role of this variant in disease. Therefore, it has been classified as a Variant of Uncertain Significance.

NM_001160372.4(TRAPPC9):c.2105C>G (p.Ser702Cys)

Gene: TRAPPC9 (trafficking protein particle complex subunit 9; minus strand). Cytogenetic location: 8q24.3.
Variant type: single nucleotide variant.
Coding change: c.2105C>G on transcript NM_001160372.4 (MANE Select); coding-DNA position 2105, C replaced by G.
Protein change: p.Ser702Cys; replaces serine 702 with cysteine.
Molecular consequence: missense variant. On other transcripts: non-coding transcript variant (1).
Genome position (GRCh38, 1-based): chr8:140,283,898, G>C on the plus strand (C>G on the coding strand, the complement: TRAPPC9 is on the minus strand). VCF-style: chr8-140283898-G-C. GRCh37 (hg19) VCF-style: chr8-141293997-G-C.
Other names: c.2078C>G, p.Ser693Cys (NM_001321646.2); c.2126C>G, p.Ser709Cys (NM_001374682.1); c.2105C>G, p.Ser702Cys (NM_001374683.1, NM_031466.8); c.1961C>G, p.Ser654Cys (NM_001374684.1); short protein forms S654C, S693C, S702C, S709C.
Identifiers: ClinVar variation 3612588 (VCV003612588.1).